The following is an entry in ClinVar:

NM_004415.4(DSP):c.2852C>T (p.Ala951Val)

Gene: DSP (desmoplakin; plus strand). Cytogenetic location: 6p24.3.
Variant type: single nucleotide variant.
Coding change: c.2852C>T on transcript NM_004415.4 (MANE Select); coding-DNA position 2852, C replaced by T.
Protein change: p.Ala951Val; replaces alanine 951 with valine.
Molecular consequence: missense variant.
Genome position (GRCh38, 1-based): chr6:7,577,017, C>T. VCF-style: chr6-7577017-C-T. GRCh37 (hg19) VCF-style: chr6-7577250-C-T.
Other names: c.2852C>T, p.Ala951Val (NM_001008844.3, NM_001319034.2); short protein forms A951V.
Identifiers: ClinVar variation 919384 (VCV000919384.4), dbSNP rs1418218757, ClinGen allele CA362682286.
Genomic context (GRCh38, chr6:7,577,017, plus strand): 5'-AGAACTTGCACAGTGAAATATCTGGCAAACGAGACAAATCAGAGGAAGTACAAAAAATTG[C>T]TGAACTTTGCGCCAATTCAATTAAGGTATGTTGGTTTCATAAAGAATGTTGGTATTTCAC-3'
Protein context (NP_004406.2, residues 941-961): RDKSEEVQKI[Ala951Val]ELCANSIKDY

ClinVar aggregate classification (germline): Uncertain significance (1 of 4 stars; one submission).

Conditions:
Cardiomyopathy (CMYO). Also called: Cardiomyopathies. Identifiers: Orphanet 167848, MedGen C0878544, MONDO:0004994, HP:0001638. Inheritance: Various modes of inheritance.

Submission:

Color Diagnostics, LLC DBA Color Health
Classification: Uncertain significance for Cardiomyopathy. Last evaluated: 2024-03-06. Review status: criteria provided, single submitter. Criteria: ACMG Guidelines, 2015. Collection method: clinical testing. Allele origin: germline.
Comment: This missense variant replaces alanine with valine at codon 951 of the DSP protein. Computational prediction tool suggests that this variant may not impact protein structure and function (internally defined REVEL score threshold <=0.5, PMID: 27666373). Splice site prediction tools suggest that this variant may not impact RNA splicing. To our knowledge, functional studies have not been performed for this variant. This variant has not been reported in individuals affected with cardiovascular disorders in the literature. This variant has not been identified in the general population by the Genome Aggregation Database (gnomAD). The available evidence is insufficient to determine the role of this variant in disease conclusively. Therefore, this variant is classified as a Variant of Uncertain Significance.